The following is an entry in ClinVar:

ClinVar aggregate classification (germline): Uncertain significance. Review status: criteria provided, multiple submitters, no conflicts (2 of 4 stars). 2 submissions from 2 submitters: Uncertain significance (2). Last evaluated 2024-09-20.

Conditions:
Inborn genetic diseases. Identifiers: MedGen C0950123, MeSH D030342.

Allele frequency attached by ClinVar (database versions not stated): gnomAD exomes below 0.00001 and 0.00001; ExAC 0.00001; TOPMed 0.00001; gnomAD 0.00002.
gnomAD v4.1: 18 of 1,612,664 alleles (0.0011%); highest among the groups gnomAD compares: African/African-American, 0.0013%; no homozygotes.

Submissions (2):

Ambry Genetics
Classification: Uncertain significance for Inborn genetic diseases. Last evaluated: 2024-09-20. Review status: criteria provided, single submitter. Criteria: Ambry Variant Classification Scheme 2023. Collection method: clinical testing. Allele origin: germline.

GeneDx
Classification: Uncertain significance. Last evaluated: 2020-10-21. Review status: criteria provided, single submitter. Criteria: GeneDx Variant Classification Process June 2021. Collection method: clinical testing. Allele origin: germline. Affected: yes.
Comment: Has not been previously published as pathogenic or benign to our knowledge; Not observed at a significant frequency in large population cohorts (Lek et al., 2016); In silico analysis, which includes protein predictors and evolutionary conservation, supports that this variant does not alter protein structure/function

NM_018993.4(RIN2):c.235A>G (p.Ser79Gly)

Gene: RIN2 (Ras and Rab interactor 2; plus strand). Cytogenetic location: 20p11.23.
Variant type: single nucleotide variant.
Coding change: c.235A>G on transcript NM_018993.4 (MANE Select); coding-DNA position 235, A replaced by G.
Protein change: p.Ser79Gly; replaces serine 79 with glycine.
Molecular consequence: missense variant. On other transcripts: 5 prime UTR variant (1).
Genome position (GRCh38, 1-based): chr20:19,956,691, A>G. VCF-style: chr20-19956691-A-G. GRCh37 (hg19) VCF-style: chr20-19937335-A-G.
Other names: c.382A>G, p.Ser128Gly (NM_001242581.2); c.-311A>G (NM_001378238.1); short protein forms S128G, S79G.
Identifiers: ClinVar variation 1213033 (VCV001213033.4), dbSNP rs751979478, ClinGen allele CA9779768.